The following is an entry in ClinVar:

NM_005585.5(SMAD6):c.706C>T (p.Gln236Ter)

Gene: SMAD6 (SMAD family member 6; plus strand). Cytogenetic location: 15q22.31.
Variant type: single nucleotide variant.
Coding change: c.706C>T on transcript NM_005585.5 (MANE Select); coding-DNA position 706, C replaced by T.
Protein change: p.Gln236Ter; replaces glutamine 236 with a stop codon.
Molecular consequence: nonsense. On other transcripts: non-coding transcript variant (1).
Genome position (GRCh38, 1-based): chr15:66,703,964, C>T. VCF-style: chr15-66703964-C-T. GRCh37 (hg19) VCF-style: chr15-66996302-C-T.
Other names: short protein forms Q236*.
Identifiers: ClinVar variation 2582579 (VCV002582579.5), dbSNP rs1893047812, ClinGen allele CA392950077.

ClinVar aggregate classification (germline): Conflicting classifications of pathogenicity. Review status: criteria provided, conflicting classifications (1 of 4 stars). 3 submissions from 3 submitters: Likely pathogenic (1); Uncertain significance (2). Last evaluated 2023-10-22.

Conditions:
Aortic valve disease 2 (AOVD2). Identifiers: MedGen C3542024, MONDO:0013902, OMIM 614823.

Allele frequency attached by ClinVar (database versions not stated): TOPMed below 0.00001; gnomAD exomes 0.00001.
gnomAD v4.1: 9 of 1,445,880 alleles (0.00062%); highest among the groups gnomAD compares: South Asian, 0.0027%; no homozygotes.

Submissions (3):

Labcorp Genetics (formerly Invitae), Labcorp
Classification: Uncertain significance for Aortic valve disease 2. Last evaluated: 2023-10-22. Review status: criteria provided, single submitter. Criteria: Invitae Variant Classification Sherloc (09022015). Collection method: clinical testing. Allele origin: germline.
Comment: This sequence change creates a premature translational stop signal (p.Gln236*) in the SMAD6 gene. It is expected to result in an absent or disrupted protein product. However, the current clinical and genetic evidence is not sufficient to establish whether loss-of-function variants in SMAD6 cause disease. This variant is not present in population databases (gnomAD no frequency). This variant has not been reported in the literature in individuals affected with SMAD6-related conditions. In summary, the available evidence is currently insufficient to determine the role of this variant in disease. Therefore, it has been classified as a Variant of Uncertain Significance.

Baylor Genetics
Classification: Likely pathogenic for Aortic valve disease 2. Last evaluated: 2023-06-21. Review status: criteria provided, single submitter. Criteria: ACMG Guidelines, 2015. Collection method: clinical testing. Allele origin: unknown.

Blueprint Genetics
Classification: Uncertain significance. Last evaluated: 2022-02-21. Review status: criteria provided, single submitter. Criteria: ACMG Guidelines, 2015. Collection method: clinical testing. Allele origin: germline.